The following is an entry in ClinVar:

ClinVar aggregate classification (germline): Uncertain significance. Review status: criteria provided, multiple submitters, no conflicts (2 of 4 stars). 6 submissions from 6 submitters: Uncertain significance (5). 1 of the submissions does not count toward it. Last evaluated 2025-12-30.

Conditions:
Hereditary cancer-predisposing syndrome. Also called: Hereditary neoplastic syndrome; Hereditary Cancer Syndrome; Tumor predisposition; Neoplastic Syndromes, Hereditary. Identifiers: Orphanet 140162, MedGen C0027672, MeSH D009386, MONDO:0015356.
Fumarase deficiency (FMRD). Also called: Fumarate Hydratase Deficiency; Fumaric aciduria. Identifiers: Orphanet 24, MedGen C0342770, MONDO:0011730, OMIM 606812.

Allele frequency attached by ClinVar (database versions not stated): TOPMed below 0.00001; gnomAD 0.00001; gnomAD exomes 0.00001; ExAC 0.00002.
gnomAD v4.1: 7 of 1,613,902 alleles (0.00043%); highest among the groups gnomAD compares: African/African-American, 0.0013%; no homozygotes.

Submissions (6):

Labcorp Genetics (formerly Invitae), Labcorp
Classification: Uncertain significance. Last evaluated: 2025-12-30. Review status: criteria provided, single submitter. Criteria: Invitae Variant Classification Sherloc (09022015). Collection method: clinical testing. Allele origin: germline.
Comment: This sequence change replaces threonine, which is neutral and polar, with methionine, which is neutral and non-polar, at codon 76 of the FH protein (p.Thr76Met). This variant is present in population databases (rs778578307, gnomAD 0.002%). This variant has not been reported in the literature in individuals affected with FH-related conditions. ClinVar contains an entry for this variant (Variation ID: 642936). Invitae Evidence Modeling of protein sequence and biophysical properties (such as structural, functional, and spatial information, amino acid conservation, physicochemical variation, residue mobility, and thermodynamic stability) indicates that this missense variant is not expected to disrupt FH protein function with a negative predictive value of 95%. In summary, the available evidence is currently insufficient to determine the role of this variant in disease. Therefore, it has been classified as a Variant of Uncertain Significance.

Ambry Genetics
Classification: Uncertain significance for Hereditary cancer-predisposing syndrome. Last evaluated: 2025-06-03. Review status: criteria provided, single submitter. Criteria: Ambry Variant Classification Scheme 2023. Collection method: clinical testing. Allele origin: germline.

Blueprint Genetics
Classification: Uncertain significance. Last evaluated: 2024-11-01. Review status: criteria provided, single submitter. Criteria: ACMG Guidelines, 2015. Collection method: clinical testing. Allele origin: germline.

Quest Diagnostics Nichols Institute San Juan Capistrano
Classification: Uncertain significance. Last evaluated: 2024-10-25. Review status: criteria provided, single submitter. Criteria: Quest Diagnostics criteria. Collection method: clinical testing. Allele origin: unknown.
Comment: The FH c.227C>T (p.Thr76Met) variant has not been reported in individuals with FH-related conditions in the published literature. The frequency of this variant in the general population, 0.000008 (2/251456 chromosomes (Genome Aggregation Database)), is uninformative in the assessment of its pathogenicity. Analysis of this variant using bioinformatics tools for the prediction of the effect of amino acid changes on protein structure and function yielded conflicting predictions that this variant is benign or damaging. Based on the available information, we are unable to determine the clinical significance of this variant.

Baylor Genetics
Classification: Uncertain significance for Fumarase deficiency. Last evaluated: 2023-07-26. Review status: criteria provided, single submitter. Criteria: ACMG Guidelines, 2015. Collection method: clinical testing. Allele origin: unknown.

Natera, Inc.
Classification: Uncertain significance for Fumarase Deficiency. Last evaluated: 2020-09-03. Review status: no assertion criteria provided. Collection method: clinical testing. Allele origin: germline. Not counted in ClinVar's aggregate classification.

NM_000143.4(FH):c.227C>T (p.Thr76Met)

Gene: FH (fumarate hydratase; minus strand). Cytogenetic location: 1q43.
Variant type: single nucleotide variant.
Coding change: c.227C>T on transcript NM_000143.4 (MANE Select); coding-DNA position 227, C replaced by T.
Protein change: p.Thr76Met; replaces threonine 76 with methionine.
Molecular consequence: missense variant.
Genome position (GRCh38, 1-based): chr1:241,517,222, G>A on the plus strand (C>T on the coding strand, the complement: FH is on the minus strand). VCF-style: chr1-241517222-G-A. GRCh37 (hg19) VCF-style: chr1-241680522-G-A.
Other names: short protein forms T76M.
Identifiers: ClinVar variation 642936 (VCV000642936.20), dbSNP rs778578307, ClinGen allele CA1478745.
Genomic context (GRCh38, chr1:241,517,222, plus strand): 5'-TTTCCACAAATGCCACTTACTGGCATGCGTTCTGTCACACCTCCAATCTTAAAGTTCATC[G>A]TAGATCTCACGGTCTGGGCGCCATAATACTTATCATTTGGCACCTTTAGTTCACCAAAGG-3'
Protein context (NP_000134.2, residues 66-86): KYYGAQTVRS[Thr76Met]MNFKIGGVTE